The following is an entry in ClinVar:

ClinVar aggregate classification (germline): Conflicting classifications of pathogenicity. Review status: criteria provided, conflicting classifications (1 of 4 stars). 3 submissions from 3 submitters: Uncertain significance (2); Likely benign (1). Last evaluated 2023-12-18.

Conditions:
Inborn genetic diseases. Identifiers: MedGen C0950123, MeSH D030342.
Neuronal ceroid lipofuscinosis 1 (CLN1). Also called: CEROID LIPOFUSCINOSIS, NEURONAL, 1, VARIABLE AGE AT ONSET; PPT1-Related Neuronal Ceroid-Lipofuscinosis. Identifiers: Orphanet 228329, MedGen C1850451, MONDO:0009744, OMIM 256730.

Allele frequency attached by ClinVar (database versions not stated): gnomAD exomes 0.00001; ExAC 0.00002; gnomAD 0.00003; TOPMed 0.00004; ESP Exome Variant Server 0.00008.

Submissions (3):

Labcorp Genetics (formerly Invitae), Labcorp
Classification: Uncertain significance for Neuronal ceroid lipofuscinosis 1. Last evaluated: 2023-12-18. Review status: criteria provided, single submitter. Criteria: Invitae Variant Classification Sherloc (09022015). Collection method: clinical testing. Allele origin: germline.
Comment: This sequence change replaces lysine, which is basic and polar, with glutamic acid, which is acidic and polar, at codon 104 of the PPT1 protein (p.Lys104Glu). This variant is present in population databases (rs386833641, gnomAD 0.02%). This variant has not been reported in the literature in individuals affected with PPT1-related conditions. ClinVar contains an entry for this variant (Variation ID: 206635). Advanced modeling of protein sequence and biophysical properties (such as structural, functional, and spatial information, amino acid conservation, physicochemical variation, residue mobility, and thermodynamic stability) performed at Invitae indicates that this missense variant is not expected to disrupt PPT1 protein function with a negative predictive value of 80%. In summary, the available evidence is currently insufficient to determine the role of this variant in disease. Therefore, it has been classified as a Variant of Uncertain Significance.

Ambry Genetics
Classification: Uncertain significance for Inborn genetic diseases. Last evaluated: 2023-08-22. Review status: criteria provided, single submitter. Criteria: Ambry Variant Classification Scheme 2023. Collection method: clinical testing. Allele origin: germline.

GeneDx
Classification: Likely benign. Last evaluated: 2013-11-14. Review status: criteria provided, single submitter. Criteria: GeneDx Variant Classification (06012015). Collection method: clinical testing. Allele origin: germline. Affected: yes.
Comment: This variant is considered likely benign or benign based on one or more of the following criteria: it is a conservative change, it occurs at a poorly conserved position in the protein, it is predicted to be benign by multiple in silico algorithms, and/or has population frequency not consistent with disease.

NM_000310.4(PPT1):c.310A>G (p.Lys104Glu)

Gene: PPT1 (palmitoyl-protein thioesterase 1; minus strand). Cytogenetic location: 1p34.2.
Variant type: single nucleotide variant.
Coding change: c.310A>G on transcript NM_000310.4 (MANE Select); coding-DNA position 310, A replaced by G.
Protein change: p.Lys104Glu; replaces lysine 104 with glutamic acid.
Molecular consequence: missense variant. On other transcripts: intron variant (1).
Genome position (GRCh38, 1-based): chr1:40,092,097, T>C on the plus strand (A>G on the coding strand, the complement: PPT1 is on the minus strand). VCF-style: chr1-40092097-T-C. GRCh37 (hg19) VCF-style: chr1-40557769-T-C.
Other names: p.K104E:AAA>GAA; c.310A>G, p.Lys104Glu (NM_001363695.2); c.125-2585A>G (NM_001142604.2); short protein forms K104E.
Identifiers: ClinVar variation 206635 (VCV000206635.10), dbSNP rs386833641, ClinGen allele CA316906.